The following is an entry in ClinVar:

NM_005378.6(MYCN):c.1368G>T (p.Lys456Asn)

Gene: MYCN (MYCN proto-oncogene, bHLH transcription factor; plus strand). Cytogenetic location: 2p24.3.
Variant type: single nucleotide variant.
Coding change: c.1368G>T on transcript NM_005378.6 (MANE Select); coding-DNA position 1368, G replaced by T.
Protein change: p.Lys456Asn; replaces lysine 456 with asparagine.
Molecular consequence: missense variant. On other transcripts: 3 prime UTR variant (1).
Genome position (GRCh38, 1-based): chr2:15,946,070, G>T. VCF-style: chr2-15946070-G-T. GRCh37 (hg19) VCF-style: chr2-16086192-G-T.
Other names: c.1368G>T (NM_005378.4); c.1368G>T, p.Lys456Asn (NM_001293228.2); c.735G>T, p.Lys245Asn (NM_001293231.2); c.*1303G>T (NM_001293233.2); short protein forms K245N, K456N.
Identifiers: ClinVar variation 2420847 (VCV002420847.7), dbSNP rs774239290, ClinGen allele CA1538353.

ClinVar aggregate classification (germline): Uncertain significance. Review status: criteria provided, multiple submitters, no conflicts (2 of 4 stars). 2 submissions from 2 submitters: Uncertain significance (2). Last evaluated 2025-05-21.

Conditions:
Inborn genetic diseases. Identifiers: MedGen C0950123, MeSH D030342.

Allele frequency attached by ClinVar (database versions not stated): ExAC 0.00001; TOPMed 0.00001.
gnomAD v4.1: 2 of 1,614,250 alleles (0.00012%); highest among the groups gnomAD compares: Admixed American, 0.0033%; no homozygotes.

Submissions (2):

Ambry Genetics
Classification: Uncertain significance for Inborn genetic diseases. Last evaluated: 2025-05-21. Review status: criteria provided, single submitter. Criteria: Ambry Variant Classification Scheme 2023. Collection method: clinical testing. Allele origin: germline.

Labcorp Genetics (formerly Invitae), Labcorp
Classification: Uncertain significance. Last evaluated: 2022-10-09. Review status: criteria provided, single submitter. Criteria: Invitae Variant Classification Sherloc (09022015). Collection method: clinical testing. Allele origin: germline.
Comment: This variant has not been reported in the literature in individuals affected with MYCN-related conditions. This variant is present in population databases (rs774239290, gnomAD 0.006%). This sequence change replaces lysine, which is basic and polar, with asparagine, which is neutral and polar, at codon 456 of the MYCN protein (p.Lys456Asn). Advanced modeling of protein sequence and biophysical properties (such as structural, functional, and spatial information, amino acid conservation, physicochemical variation, residue mobility, and thermodynamic stability) performed at Invitae indicates that this missense variant is not expected to disrupt MYCN protein function. In summary, the available evidence is currently insufficient to determine the role of this variant in disease. Therefore, it has been classified as a Variant of Uncertain Significance.